The following is an entry in ClinVar:

NM_000441.2(SLC26A4):c.1001+4A>G

Gene: SLC26A4 (solute carrier family 26 member 4; plus strand). Cytogenetic location: 7q22.3.
Variant type: single nucleotide variant.
Coding change: c.1001+4A>G on transcript NM_000441.2 (MANE Select); 4 bases into the intron after coding-DNA position 1001, A replaced by G.
Molecular consequence: intron variant.
Genome position (GRCh38, 1-based): chr7:107,683,541, A>G. VCF-style: chr7-107683541-A-G. GRCh37 (hg19) VCF-style: chr7-107323986-A-G.
Identifiers: ClinVar variation 551318 (VCV000551318.4), dbSNP rs1262298247, ClinGen allele CA658821803.

ClinVar aggregate classification (germline): Likely pathogenic. Review status: criteria provided, multiple submitters, no conflicts (2 of 4 stars). 3 submissions from 3 submitters: Likely pathogenic (2). 1 of the submissions does not count toward it. Last evaluated 2023-10-19.

Conditions:
Autosomal recessive nonsyndromic hearing loss 4 (DFNB4). Also called: Enlarged vestibular aqueduct, digenic; FOXI1-Related Pendred Syndrome; KCNJ10-Related Pendred Syndrome; DEAFNESS, AUTOSOMAL RECESSIVE 4, WITH ENLARGED VESTIBULAR AQUEDUCT, DIGENIC; Deafness, autosomal recessive 4; Nonsyndromic enlarged vestibular aqueduct (NSEVA). Identifiers: Orphanet 90636, MedGen C3538946, MONDO:0010933, OMIM 600791.
Pendred syndrome (PDS). Also called: DEAFNESS WITH GOITER; GOITER-DEAFNESS SYNDROME; Pendred Syndrome (PDS); HYPOTHYROIDISM, CONGENITAL, DUE TO DYSHORMONOGENESIS, 2B; THYROID DYSHORMONOGENESIS 2B; THYROID HORMONOGENESIS, GENETIC DEFECT IN, 2B. Identifiers: Orphanet 705, MedGen C0271829, MONDO:0010134, OMIM 274600.

Allele frequency attached by ClinVar (database versions not stated): gnomAD exomes below 0.00001.
gnomAD v4.1: 1 of 1,612,350 alleles (0.000062%); highest among the groups gnomAD compares: Non-Finnish European, 0.000085%; no homozygotes.

Submissions (3):

Baylor Genetics
Classification: Likely pathogenic for Autosomal recessive nonsyndromic hearing loss 4. Last evaluated: 2023-10-19. Review status: criteria provided, single submitter. Criteria: ACMG Guidelines, 2015. Collection method: clinical testing. Allele origin: unknown.

Women's Health and Genetics/Laboratory Corporation of America, LabCorp
Classification: Likely pathogenic for Pendred syndrome. Last evaluated: 2023-02-28. Review status: criteria provided, single submitter. Criteria: LabCorp Variant Classification Summary - May 2015. Collection method: clinical testing. Allele origin: germline.
Comment: Variant summary: SLC26A4 c.1001+4A>G alters a conserved nucleotide located close to a canonical splice site and therefore could affect mRNA splicing, leading to a significantly altered protein sequence. Several computational tools predict a significant impact on normal splicing: Two predict the variant weakens a canonical 5' splicing donor site, while one predicts it abolishes the site. At least one publication reports experimental evidence that this variant affects mRNA splicing, resulting in inclusion of a portion of the intronic region (Lee_2019). The variant was absent in 250160 control chromosomes. c.1001+4A>G has been reported in the literature in the homozygous state in a family affected with Pendred Syndrome (Park_2003). These data indicate that the variant may be associated with disease. One submitter has provided a clinical-significance assessment for this variant to ClinVar after 2014 without evidence for independent evaluation, and classified the variant as uncertain significance. Based on the evidence outlined above, the variant was classified as likely pathogenic.

Counsyl
Classification: Uncertain significance for Pendred syndrome. Last evaluated: 2017-03-30. Review status: flagged submission. Collection method: clinical testing. Allele origin: unknown. Not counted in ClinVar's aggregate classification.
ClinVar note: Reason: Older claim that does not account for recent evidence

Literature cited by the submitters: PubMed 31033086 (cited by Women's Health and Genetics/Laboratory Corporation of America, LabCorp); PubMed 12676893 (cited by Women's Health and Genetics/Laboratory Corporation of America, LabCorp and Counsyl); PubMed 25525159 (cited by Counsyl).